The following is an entry in ClinVar:

NM_001367624.2(ZNF469):c.3002C>A (p.Ala1001Asp)

Gene: ZNF469 (zinc finger protein 469; plus strand). Cytogenetic location: 16q24.2.
Variant type: single nucleotide variant.
Coding change: c.3002C>A on transcript NM_001367624.2 (MANE Select); coding-DNA position 3002, C replaced by A.
Protein change: p.Ala1001Asp; replaces alanine 1001 with aspartic acid.
Molecular consequence: missense variant.
Genome position (GRCh38, 1-based): chr16:88,430,472, C>A. VCF-style: chr16-88430472-C-A. GRCh37 (hg19) VCF-style: chr16-88496880-C-A.
Other names: NM_001127464.1:c.3002C>A; NM_001127464.2:c.3002C>A; short protein forms A1001D.
Identifiers: ClinVar variation 1798710 (VCV001798710.8), dbSNP rs1045848516, ClinGen allele CA286374359.

ClinVar aggregate classification (germline): Uncertain significance. Review status: criteria provided, multiple submitters, no conflicts (2 of 4 stars). 4 submissions from 4 submitters: Uncertain significance (4). Last evaluated 2025-10-22.

Conditions:
ZNF469-related disorder. Also called: ZNF469-related condition.
Cardiovascular phenotype. Identifiers: MedGen CN230736.

Allele frequency attached by ClinVar (database versions not stated): gnomAD 0.00005; TOPMed 0.00005.
gnomAD v4.1: 112 of 1,442,460 alleles (0.0078%); highest among the groups gnomAD compares: Non-Finnish European, 0.0097%; no homozygotes.

Submissions (4):

Women's Health and Genetics/Laboratory Corporation of America, LabCorp
Classification: Uncertain significance. Last evaluated: 2025-10-22. Review status: criteria provided, single submitter. Criteria: LabCorp Variant Classification Summary - May 2015. Collection method: clinical testing. Allele origin: germline.
Comment: Variant summary: ZNF469 c.3002C>A (p.Ala1001Asp) results in a non-conservative amino acid change in the encoded protein sequence. Algorithms developed to predict the effect of missense changes on protein structure and function are either unavailable or do not agree on the potential impact of this missense change. The variant allele was found at a frequency of 3.8e-05 in 52392 control chromosomes. The available data on variant occurrences in the general population are insufficient to allow any conclusion about variant significance. c.3002C>A has been observed in heterozygous state in a patient affected with arterial dissection diseases (Wolf_2024). This report does not provide unequivocal conclusions about association of the variant with Brittle cornea syndrome 1. To our knowledge, no experimental evidence demonstrating an impact on protein function has been reported. The following publication has been ascertained in the context of this evaluation (PMID: 39769491). ClinVar contains an entry for this variant (Variation ID: 1798710). Based on the evidence outlined above, the variant was classified as uncertain significance.

Ambry Genetics
Classification: Uncertain significance for Cardiovascular phenotype. Last evaluated: 2025-04-11. Review status: criteria provided, single submitter. Criteria: Ambry Variant Classification Scheme 2023. Collection method: clinical testing. Allele origin: germline.

PreventionGenetics, part of Exact Sciences
Classification: Uncertain significance for ZNF469-related condition. Last evaluated: 2024-11-06. Review status: criteria provided, single submitter. Criteria: ACMG Guidelines, 2015. Collection method: clinical testing. Allele origin: germline.
Comment: The ZNF469 c.3002C>A variant is predicted to result in the amino acid substitution p.Ala1001Asp. To our knowledge, this variant has not been reported in the literature. This variant is reported in 0.011% of alleles in individuals of European (Non-Finnish) descent in gnomAD. At this time, the clinical significance of this variant is uncertain due to the absence of conclusive functional and genetic evidence.

Labcorp Genetics (formerly Invitae), Labcorp
Classification: Uncertain significance. Last evaluated: 2022-07-19. Review status: criteria provided, single submitter. Criteria: Invitae Variant Classification Sherloc (09022015). Collection method: clinical testing. Allele origin: germline.
Comment: This sequence change replaces alanine, which is neutral and non-polar, with aspartic acid, which is acidic and polar, at codon 1001 of the ZNF469 protein (p.Ala1001Asp). This variant is present in population databases (no rsID available, gnomAD 0.01%). This variant has not been reported in the literature in individuals affected with ZNF469-related conditions. Algorithms developed to predict the effect of missense changes on protein structure and function output the following: SIFT: "Tolerated"; PolyPhen-2: "Benign"; Align-GVGD: "Class C0". The aspartic acid amino acid residue is found in multiple mammalian species, which suggests that this missense change does not adversely affect protein function. In summary, the available evidence is currently insufficient to determine the role of this variant in disease. Therefore, it has been classified as a Variant of Uncertain Significance.

Literature cited by the submitters: PubMed 39769491 (cited by Women's Health and Genetics/Laboratory Corporation of America, LabCorp).